The following is an entry in ClinVar:

ClinVar aggregate classification (germline): Conflicting classifications of pathogenicity. Review status: criteria provided, conflicting classifications (1 of 4 stars). 3 submissions from 3 submitters: Uncertain significance (2); Likely benign (1). Last evaluated 2026-01-10.

Conditions:
Lethal congenital glycogen storage disease of heart. Also called: GLYCOGEN STORAGE DISEASE OF HEART; PHOSPHORYLASE KINASE DEFICIENCY OF HEART. Identifiers: Orphanet 439854, MedGen C1849813, MONDO:0009867, OMIM 261740.
Cardiovascular phenotype. Identifiers: MedGen CN230736.
Cardiomyopathy (CMYO). Also called: Cardiomyopathies. Identifiers: Orphanet 167848, MedGen C0878544, MONDO:0004994, HP:0001638. Inheritance: Various modes of inheritance.

Allele frequency attached by ClinVar (database versions not stated): gnomAD 0.00001; gnomAD exomes 0.00001; TOPMed 0.00007.

Submissions (3):

Labcorp Genetics (formerly Invitae), Labcorp
Classification: Likely benign for Lethal congenital glycogen storage disease of heart. Last evaluated: 2026-01-10. Review status: criteria provided, single submitter. Criteria: Invitae Variant Classification Sherloc (09022015). Collection method: clinical testing. Allele origin: germline.

Ambry Genetics
Classification: Uncertain significance for Cardiovascular phenotype. Last evaluated: 2025-07-09. Review status: criteria provided, single submitter. Criteria: Ambry Variant Classification Scheme 2023. Collection method: clinical testing. Allele origin: germline.
Comment: The p.A238V variant (also known as c.713C>T), located in coding exon 5 of the PRKAG2 gene, results from a C to T substitution at nucleotide position 713. The alanine at codon 238 is replaced by valine, an amino acid with similar properties. This amino acid position is conserved. In addition, this alteration is predicted to be tolerated by in silico analysis. Based on the available evidence, the clinical significance of this variant remains unclear.

Color Diagnostics, LLC DBA Color Health
Classification: Uncertain significance for Cardiomyopathy. Last evaluated: 2023-12-05. Review status: criteria provided, single submitter. Criteria: ACMG Guidelines, 2015. Collection method: clinical testing. Allele origin: germline.
Comment: Variant of Uncertain Significance due to insufficient evidence: This missense variant replaces alanine with valine at codon 238 of the PRKAG2 protein. Computational prediction tools and conservation analyses are inconclusive regarding the impact of this variant on the protein function. Computational splicing tools suggest that this variant may not impact RNA splicing. To our knowledge, functional assays have not been performed for this variant nor has this variant been reported in individuals affected with cardiovascular disorders in the literature. This variant is rare in the general population and has been identified in 0/277264 chromosomes by the Genome Aggregation Database (gnomAD). Available evidence is insufficient to determine the role of this variant in disease conclusively.

NM_016203.4(PRKAG2):c.713C>T (p.Ala238Val)

Genes: PRKAG2 (protein kinase AMP-activated non-catalytic subunit gamma 2; minus strand), LOC129999660 (ATAC-STARR-seq lymphoblastoid silent region 18823; plus strand). Cytogenetic location: 7q36.1.
Variant type: single nucleotide variant.
Coding change: c.713C>T on transcript NM_016203.4 (MANE Select); coding-DNA position 713, C replaced by T.
Protein change: p.Ala238Val; replaces alanine 238 with valine.
Molecular consequence: missense variant. On other transcripts: 5 prime UTR variant (2).
Genome position (GRCh38, 1-based): chr7:151,632,110, G>A on the plus strand (C>T on the coding strand, the complement: PRKAG2 is on the minus strand). VCF-style: chr7-151632110-G-A. GRCh37 (hg19) VCF-style: chr7-151329196-G-A.
Other names: c.581C>T, p.Ala194Val (NM_001040633.2); c.341C>T, p.Ala114Val (NM_001304527.2, NM_001363698.2); c.-11C>T (NM_001304531.2, NM_024429.2); c.713C>T (NM_016203.3); short protein forms A194V, A114V, A238V.
Identifiers: ClinVar variation 918672 (VCV000918672.16), dbSNP rs1184637689, ClinGen allele CA370071297.